The following is an entry in ClinVar:

ClinVar aggregate classification (germline): Uncertain significance (1 of 4 stars; one submission).

Allele frequency attached by ClinVar (database versions not stated): gnomAD 0.00005; ExAC 0.00006; gnomAD exomes 0.00007 and 0.00009; TOPMed 0.00010.
gnomAD v4.1: 110 of 1,613,758 alleles (0.0068%); highest among the groups gnomAD compares: Middle Eastern, 0.016%; no homozygotes.

Submission:

Labcorp Genetics (formerly Invitae), Labcorp
Classification: Uncertain significance. Last evaluated: 2025-05-08. Review status: criteria provided, single submitter. Criteria: Invitae Variant Classification Sherloc (09022015). Collection method: clinical testing. Allele origin: germline.
Comment: This sequence change replaces asparagine, which is neutral and polar, with aspartic acid, which is acidic and polar, at codon 4074 of the HMCN1 protein (p.Asn4074Asp). This variant is present in population databases (rs200395622, gnomAD 0.04%). This variant has not been reported in the literature in individuals affected with HMCN1-related conditions. ClinVar contains an entry for this variant (Variation ID: 1470962). An algorithm developed to predict the effect of missense changes on protein structure and function (PolyPhen-2) suggests that this variant is likely to be tolerated. In summary, the available evidence is currently insufficient to determine the role of this variant in disease. Therefore, it has been classified as a Variant of Uncertain Significance.

NM_031935.3(HMCN1):c.12220A>G (p.Asn4074Asp)

Gene: HMCN1 (hemicentin 1; plus strand). Cytogenetic location: 1q31.1.
Variant type: single nucleotide variant.
Coding change: c.12220A>G on transcript NM_031935.3 (MANE Select); coding-DNA position 12220, A replaced by G.
Protein change: p.Asn4074Asp; replaces asparagine 4074 with aspartic acid.
Molecular consequence: missense variant.
Genome position (GRCh38, 1-based): chr1:186,120,136, A>G. VCF-style: chr1-186120136-A-G. GRCh37 (hg19) VCF-style: chr1-186089268-A-G.
Other names: short protein forms N4074D.
Identifiers: ClinVar variation 1470962 (VCV001470962.6), dbSNP rs200395622, ClinGen allele CA1294289.